The following is an entry in ClinVar:

NM_001605.3(AARS1):c.671+12T>C

Gene: AARS1 (alanyl-tRNA synthetase 1; minus strand). Cytogenetic location: 16q22.1.
Variant type: single nucleotide variant.
Coding change: c.671+12T>C on transcript NM_001605.3 (MANE Select); 12 bases into the intron after coding-DNA position 671, T replaced by C.
Molecular consequence: intron variant.
Genome position (GRCh38, 1-based): chr16:70,271,769, A>G on the plus strand (T>C on the coding strand, the complement: AARS1 is on the minus strand). VCF-style: chr16-70271769-A-G. GRCh37 (hg19) VCF-style: chr16-70305672-A-G.
Identifiers: ClinVar variation 1682292 (VCV001682292.9), dbSNP rs375862322, ClinGen allele CA8141073.

ClinVar aggregate classification (germline): Likely benign. Review status: criteria provided, multiple submitters, no conflicts (2 of 4 stars). 2 submissions from 2 submitters: Likely benign (2). Last evaluated 2025-12-22.

Conditions:
Charcot-Marie-Tooth disease type 2. Also called: Charcot-Marie-Tooth type 2. Identifiers: Orphanet 64746, MedGen C0270914, MONDO:0018993.

Allele frequency attached by ClinVar (database versions not stated): gnomAD exomes below 0.00001 and 0.00001; ESP Exome Variant Server 0.00008; ExAC 0.00001; gnomAD 0.00002; TOPMed 0.00003.
gnomAD v4.1: 7 of 1,613,670 alleles (0.00043%); highest among the groups gnomAD compares: African/African-American, 0.008%; no homozygotes.

Submissions (2):

Labcorp Genetics (formerly Invitae), Labcorp
Classification: Likely benign for Charcot-Marie-Tooth disease type 2. Last evaluated: 2025-12-22. Review status: criteria provided, single submitter. Criteria: Invitae Variant Classification Sherloc (09022015). Collection method: clinical testing. Allele origin: germline.

Women's Health and Genetics/Laboratory Corporation of America, LabCorp
Classification: Likely benign. Last evaluated: 2025-09-23. Review status: criteria provided, single submitter. Criteria: LabCorp Variant Classification Summary - May 2015. Collection method: clinical testing. Allele origin: germline.
Comment: Variant summary: AARS1 c.671+12T>C alters a non-conserved nucleotide located at a position not widely known to affect splicing. Consensus agreement among computation tools predict no significant impact on normal splicing. However, these predictions have yet to be confirmed by functional studies. The variant allele was found at a frequency of 1.1e-05 in 282748 control chromosomes. The available data on variant occurrences in the general population are insufficient to allow any conclusion about variant significance. To our knowledge, no occurrence of c.671+12T>C in individuals affected with AARS1-related conditions and no experimental evidence demonstrating its impact on protein function have been reported. ClinVar contains an entry for this variant (Variation ID: 1682292). Based on the evidence outlined above, the variant was classified as likely benign.